The following is an entry in ClinVar:

ClinVar aggregate classification (germline): Pathogenic (1 of 4 stars; one submission).

Conditions:
Peroxisome biogenesis disorder, complementation group K (CGK). Identifiers: MedGen C1866257, MONDO:0800365.

Submission:

Labcorp Genetics (formerly Invitae), Labcorp
Classification: Pathogenic for Peroxisome biogenesis disorder, complementation group K. Last evaluated: 2026-01-13. Review status: criteria provided, single submitter. Criteria: Invitae Variant Classification Sherloc (09022015). Collection method: clinical testing. Allele origin: germline.
Comment: This sequence change creates a premature translational stop signal (p.Asp75delinsValLysGlnGln*) in the PEX14 gene. It is expected to result in an absent or disrupted protein product. Loss-of-function variants in PEX14 are known to be pathogenic (PMID: 15146459, 18285423, 26627464). This variant is not present in population databases (gnomAD no frequency). This variant has not been reported in the literature in individuals affected with PEX14-related conditions. For these reasons, this variant has been classified as Pathogenic.

Literature cited by the submitters: PubMed 15146459; PubMed 18285423; PubMed 26627464.

NC_000001.11:g.10599291_10599292insTAAAGCAGCAATAAACTCAAGGATAAATTAAGGAAATTGAATGAGCCACATTTGGAAGCAGTGTTGAGGCTAATATTCTGTCGCTTAAGGTTAAATTGCAACTGAGAGAGGTTCCGGAGAATCTGAAATCGGGGAGGCAACTTACTAGGATGCGAGGCATTCTGTGGCTGTAAAGGTCTTTGCTCAGTGAAGATTCTGTTGCAGCTATGGACACTGACAAAAGGTACTCACCTGCAATGATGTCCTCTTCTCCCCAGGGCTGACAGATGAAGAGATTGATATGGCCTTCCAGCAGTCGGGCACTGCTGCCG

Gene: PEX14 (peroxisomal biogenesis factor 14; plus strand). Cytogenetic location: 1p36.22.
Variant type: Insertion.
Genome position: GRCh38: chr1:10,599,291-10,599,292. GRCh37 (hg19): chr1:10,659,348-10,659,349.
Identifiers: ClinVar variation 3663959 (VCV003663959.2).